The following is an entry in ClinVar:

NM_002025.4(AFF2):c.3313T>C (p.Ser1105Pro)

Gene: AFF2 (ALF transcription elongation factor 2; plus strand). Cytogenetic location: Xq28.
Variant type: single nucleotide variant.
Coding change: c.3313T>C on transcript NM_002025.4 (MANE Select); coding-DNA position 3313, T replaced by C.
Protein change: p.Ser1105Pro; replaces serine 1105 with proline.
Molecular consequence: missense variant.
Genome position (GRCh38, 1-based): chrX:148,973,516, T>C. VCF-style: chrX-148973516-T-C. GRCh37 (hg19) VCF-style: chrX-148055046-T-C.
Other names: c.3208T>C, p.Ser1070Pro (NM_001169122.2, NM_001169124.2); c.3283T>C, p.Ser1095Pro (NM_001169123.2); c.3196T>C, p.Ser1066Pro (NM_001169125.2); c.2236T>C, p.Ser746Pro (NM_001170628.1); short protein forms S1066P, S1070P, S1095P, S1105P, S746P.
Identifiers: ClinVar variation 1800566 (VCV001800566.1), dbSNP rs2521958538, ClinGen allele CA414513134.

ClinVar aggregate classification (germline): Uncertain significance (1 of 4 stars; one submission).

Submission:

GeneDx
Classification: Uncertain significance. Last evaluated: 2022-05-19. Review status: criteria provided, single submitter. Criteria: GeneDx Variant Classification Process June 2021. Collection method: clinical testing. Allele origin: germline. Affected: yes.
Comment: Not observed at significant frequency in large population cohorts (gnomAD); In silico analysis supports that this missense variant has a deleterious effect on protein structure/function; Has not been previously published as pathogenic or benign to our knowledge